The following is an entry in ClinVar:

NM_001374828.1(ARID1B):c.461C>T (p.Thr154Ile)

Genes: ARID1B (AT-rich interaction domain 1B; plus strand), LOC115308161 (uncharacterized LOC115308161; minus strand), LOC129997524 (ATAC-STARR-seq lymphoblastoid silent region 17711; plus strand). Cytogenetic location: 6q25.3.
Variant type: single nucleotide variant.
Coding change: c.461C>T on transcript NM_001374828.1 (MANE Select); coding-DNA position 461, C replaced by T.
Protein change: p.Thr154Ile; replaces threonine 154 with isoleucine.
Molecular consequence: missense variant.
Genome position (GRCh38, 1-based): chr6:156,778,141, C>T. VCF-style: chr6-156778141-C-T. GRCh37 (hg19) VCF-style: chr6-157099275-C-T.
Other names: c.212C>T, p.Thr71Ile (NM_001346813.1, NM_020732.3); c.461C>T, p.Thr154Ile (NM_001371656.1, NM_001374820.1, NM_017519.3); c.38C>T, p.Thr13Ile (NM_175863.2); short protein forms T71I, T154I, T13I.
Identifiers: ClinVar variation 2810769 (VCV002810769.4), dbSNP rs1331627857, ClinGen allele CA366381358.

ClinVar aggregate classification (germline): Uncertain significance. Review status: criteria provided, multiple submitters, no conflicts (2 of 4 stars). 2 submissions from 2 submitters: Uncertain significance (2). Last evaluated 2025-02-20.

Conditions:
ARID1B-Related Disorder. Identifiers: MedGen CN381337.

Submissions (2):

PreventionGenetics, part of Exact Sciences
Classification: Uncertain significance for ARID1B-related condition. Last evaluated: 2025-02-20. Review status: criteria provided, single submitter. Criteria: ACMG Guidelines, 2015. Collection method: clinical testing. Allele origin: germline.
Comment: The ARID1B c.212C>T variant is predicted to result in the amino acid substitution p.Thr71Ile. To our knowledge, this variant has not been reported in the literature or in a large population database (gnomAD), indicating this variant is rare. At this time, the clinical significance of this variant is uncertain due to the absence of conclusive functional and genetic evidence.

Labcorp Genetics (formerly Invitae), Labcorp
Classification: Uncertain significance. Last evaluated: 2024-12-16. Review status: criteria provided, single submitter. Criteria: Invitae Variant Classification Sherloc (09022015). Collection method: clinical testing. Allele origin: germline.
Comment: This sequence change replaces threonine, which is neutral and polar, with isoleucine, which is neutral and non-polar, at codon 71 of the ARID1B protein (p.Thr71Ile). This variant is not present in population databases (gnomAD no frequency). This variant has not been reported in the literature in individuals affected with ARID1B-related conditions. ClinVar contains an entry for this variant (Variation ID: 2810769). Invitae Evidence Modeling of protein sequence and biophysical properties (such as structural, functional, and spatial information, amino acid conservation, physicochemical variation, residue mobility, and thermodynamic stability) indicates that this missense variant is not expected to disrupt ARID1B protein function with a negative predictive value of 95%. In summary, the available evidence is currently insufficient to determine the role of this variant in disease. Therefore, it has been classified as a Variant of Uncertain Significance.